The following is an entry in ClinVar:

ClinVar aggregate classification (germline): Uncertain significance (1 of 4 stars; one submission).

Conditions:
Cardiovascular phenotype. Identifiers: MedGen CN230736.

gnomAD v4.1: 1 of 1,612,222 alleles (0.000062%); highest among the groups gnomAD compares: Admixed American, 0.0017%; no homozygotes.

Submission:

Ambry Genetics
Classification: Uncertain significance for Cardiovascular phenotype. Last evaluated: 2024-12-20. Review status: criteria provided, single submitter. Criteria: Ambry Variant Classification Scheme 2023. Collection method: clinical testing. Allele origin: germline.
Comment: The p.P2298S variant (also known as c.6892C>T), located in coding exon 19 of the TNXB gene, results from a C to T substitution at nucleotide position 6892. The proline at codon 2298 is replaced by serine, an amino acid with similar properties. This amino acid position is conserved. In addition, this alteration is predicted to be tolerated by in silico analysis. Based on the available evidence, the clinical significance of this variant remains unclear.

NM_001365276.2(TNXB):c.6892C>T (p.Pro2298Ser)

Gene: TNXB (tenascin XB; minus strand). Cytogenetic location: 6p21.33.
Variant type: single nucleotide variant.
Coding change: c.6892C>T on transcript NM_001365276.2 (MANE Select); coding-DNA position 6892, C replaced by T.
Protein change: p.Pro2298Ser; replaces proline 2298 with serine.
Molecular consequence: missense variant.
Genome position (GRCh38, 1-based): chr6:32,062,433, G>A on the plus strand (C>T on the coding strand, the complement: TNXB is on the minus strand). VCF-style: chr6-32062433-G-A. GRCh37 (hg19) VCF-style: chr6-32030210-G-A.
Other names: c.7633C>T, p.Pro2545Ser (NM_001428335.1); c.6892C>T, p.Pro2298Ser (NM_019105.8); short protein forms P2298S, P2545S.
Identifiers: ClinVar variation 3809316 (VCV003809316.1).